The following is an entry in ClinVar:

ClinVar aggregate classification (germline): Uncertain significance (1 of 4 stars; one submission).

Conditions:
Arrhythmogenic right ventricular dysplasia 11. Also called: Arrhythmogenic Right Ventricular Dysplasia/Cardiomyopathy11; ARRHYTHMOGENIC RIGHT VENTRICULAR DYSPLASIA, FAMILIAL, 11; Arrhythmogenic right ventricular dysplasia 11 with mild palmoplantar keratoderma and woolly hair. Identifiers: MedGen C1864850, MONDO:0012506, OMIM 610476.

Allele frequency attached by ClinVar (database versions not stated): TOPMed below 0.00001.

Submission:

Labcorp Genetics (formerly Invitae), Labcorp
Classification: Uncertain significance for Arrhythmogenic right ventricular dysplasia 11. Last evaluated: 2020-09-30. Review status: criteria provided, single submitter. Criteria: Invitae Variant Classification Sherloc (09022015). Collection method: clinical testing. Allele origin: germline.
Comment: This variant is not present in population databases (ExAC no frequency). This sequence change replaces isoleucine with valine at codon 700 of the DSC2 protein (p.Ile700Val). The isoleucine residue is moderately conserved and there is a small physicochemical difference between isoleucine and valine. This variant has not been reported in the literature in individuals with DSC2-related conditions. In summary, the available evidence is currently insufficient to determine the role of this variant in disease. Therefore, it has been classified as a Variant of Uncertain Significance. Algorithms developed to predict the effect of sequence changes on RNA splicing suggest that this variant may create or strengthen a splice site, but this prediction has not been confirmed by published transcriptional studies. Algorithms developed to predict the effect of missense changes on protein structure and function (SIFT, PolyPhen-2, Align-GVGD) all suggest that this variant is likely to be tolerated, but these predictions have not been confirmed by published functional studies and their clinical significance is uncertain.

NM_024422.6(DSC2):c.2098A>G (p.Ile700Val)

Gene: DSC2 (desmocollin 2; minus strand). Cytogenetic location: 18q12.1.
Variant type: single nucleotide variant.
Coding change: c.2098A>G on transcript NM_024422.6 (MANE Select); coding-DNA position 2098, A replaced by G.
Protein change: p.Ile700Val; replaces isoleucine 700 with valine.
Molecular consequence: missense variant.
Genome position (GRCh38, 1-based): chr18:31,071,632, T>C on the plus strand (A>G on the coding strand, the complement: DSC2 is on the minus strand). VCF-style: chr18-31071632-T-C. GRCh37 (hg19) VCF-style: chr18-28651598-T-C.
Other names: c.2098A>G, p.Ile700Val (NM_004949.5); short protein forms I700V.
Identifiers: ClinVar variation 1035962 (VCV001035962.8), dbSNP rs1986830558, ClinGen allele CA402112787.